The following is an entry in ClinVar:

NM_013432.5(TONSL):c.2363G>A (p.Ser788Asn)

Genes: TONSL (tonsoku like, DNA repair protein; minus strand), TONSL-AS1 (TONSL antisense RNA 1; plus strand). Cytogenetic location: 8q24.3.
Variant type: single nucleotide variant.
Coding change: c.2363G>A on transcript NM_013432.5 (MANE Select); coding-DNA position 2363, G replaced by A.
Protein change: p.Ser788Asn; replaces serine 788 with asparagine.
Molecular consequence: missense variant.
Genome position (GRCh38, 1-based): chr8:144,436,070, C>T on the plus strand (G>A on the coding strand, the complement: TONSL is on the minus strand). VCF-style: chr8-144436070-C-T. GRCh37 (hg19) VCF-style: chr8-145661453-C-T.
Other names: short protein forms S788N.
Identifiers: ClinVar variation 732275 (VCV000732275.14), dbSNP rs61735672, ClinGen allele CA4942850.
Genomic context (GRCh38, chr8:144,436,070, plus strand): 5'-GGCCCCAGCCGGCTCTGAGCACTGCCCACACCCCGGATGGCTGCCTGGTAGGCTGCCCGG[C>T]TGGTGCTGGCTGTGGCTGCTTCCCTGTTGCTGGCGGGGCCAGGCGTCCAGGCTGCCACCC-3'
Protein context (NP_038460.4, residues 778-798): SNREAATAST[Ser788Asn]RAAYQAAIRG

ClinVar aggregate classification (germline): Benign/Likely benign. Review status: criteria provided, multiple submitters, no conflicts (2 of 4 stars). 5 submissions from 5 submitters: Benign (2); Likely benign (2). 1 of the submissions does not count toward it. Last evaluated 2026-09-01.

Conditions:
TONSL-related disorder. Also called: TONSL-related condition.

Allele frequency attached by ClinVar (database versions not stated): gnomAD exomes 0.00065 and 0.00151; ExAC 0.00214; 1000 Genomes Project 0.00399; gnomAD 0.00402 and 0.00440; 1000 Genomes Project 30x 0.00422; ESP Exome Variant Server 0.00447; TOPMed 0.00473.

Submissions (5):

CeGaT Center for Human Genetics Tuebingen
Classification: Likely benign. Last evaluated: 2026-09-01. Review status: criteria provided, single submitter. Criteria: CeGaT Center For Human Genetics Tuebingen Variant Classification Criteria Version 2. Collection method: clinical testing. Allele origin: germline. Affected: yes. Observed: 3 variant alleles.
Comment: TONSL: BP4, BS1

Labcorp Genetics (formerly Invitae), Labcorp
Classification: Benign. Last evaluated: 2026-02-01. Review status: criteria provided, single submitter. Criteria: Invitae Variant Classification Sherloc (09022015). Collection method: clinical testing. Allele origin: germline.

Blueprint Genetics
Classification: Likely benign. Last evaluated: 2024-10-14. Review status: criteria provided, single submitter. Criteria: ACMG Guidelines, 2015. Collection method: clinical testing. Allele origin: germline.

Breakthrough Genomics
Classification: Benign. Review status: criteria provided, single submitter. Criteria: ACMG Guidelines, 2015. Collection method: not provided. Allele origin: germline. Inheritance: Autosomal recessive inheritance. Affected: yes.

PreventionGenetics, part of Exact Sciences
Classification: Benign for TONSL-related condition. Last evaluated: 2019-11-25. Review status: no assertion criteria provided. Collection method: clinical testing. Allele origin: germline. Not counted in ClinVar's aggregate classification.
Comment: This variant is classified as benign based on ACMG/AMP sequence variant interpretation guidelines (Richards et al. 2015 PMID: 25741868, with internal and published modifications).